The following is an entry in ClinVar:

NM_004727.3(SLC24A1):c.689A>T (p.Lys230Ile)

Gene: SLC24A1 (solute carrier family 24 member 1; plus strand). Cytogenetic location: 15q22.31.
Variant type: single nucleotide variant.
Coding change: c.689A>T on transcript NM_004727.3 (MANE Select); coding-DNA position 689, A replaced by T.
Protein change: p.Lys230Ile; replaces lysine 230 with isoleucine.
Molecular consequence: missense variant.
Genome position (GRCh38, 1-based): chr15:65,624,769, A>T. VCF-style: chr15-65624769-A-T. GRCh37 (hg19) VCF-style: chr15-65917107-A-T.
Other names: c.689A>T, p.Lys230Ile (NM_001301031.1, NM_001301032.1, NM_001301033.2); short protein forms K230I.
Identifiers: ClinVar variation 970129 (VCV000970129.9), dbSNP rs370009091, ClinGen allele CA7619790.

ClinVar aggregate classification (germline): Uncertain significance. Review status: criteria provided, multiple submitters, no conflicts (2 of 4 stars). 3 submissions from 3 submitters: Uncertain significance (3). Last evaluated 2025-04-13.

Conditions:
Inborn genetic diseases. Identifiers: MedGen C0950123, MeSH D030342.

Allele frequency attached by ClinVar (database versions not stated): ExAC 0.00001; gnomAD 0.00002; gnomAD exomes 0.00002; TOPMed 0.00002; ESP Exome Variant Server 0.00008.
gnomAD v4.1: 75 of 1,613,758 alleles (0.0046%); highest among the groups gnomAD compares: Non-Finnish European, 0.0062%; no homozygotes.

Submissions (3):

Ambry Genetics
Classification: Uncertain significance for Inborn genetic diseases. Last evaluated: 2025-04-13. Review status: criteria provided, single submitter. Criteria: Ambry Variant Classification Scheme 2023. Collection method: clinical testing. Allele origin: germline.

Blueprint Genetics
Classification: Uncertain significance. Last evaluated: 2024-05-08. Review status: criteria provided, single submitter. Criteria: ACMG Guidelines, 2015. Collection method: clinical testing. Allele origin: germline.

Labcorp Genetics (formerly Invitae), Labcorp
Classification: Uncertain significance. Last evaluated: 2021-08-28. Review status: criteria provided, single submitter. Criteria: Invitae Variant Classification Sherloc (09022015). Collection method: clinical testing. Allele origin: germline.
Comment: This sequence change replaces lysine with isoleucine at codon 230 of the SLC24A1 protein (p.Lys230Ile). The lysine residue is weakly conserved and there is a moderate physicochemical difference between lysine and isoleucine. This variant is present in population databases (rs370009091, ExAC 0.002%). This variant has not been reported in the literature in individuals affected with SLC24A1-related conditions. Algorithms developed to predict the effect of missense changes on protein structure and function are either unavailable or do not agree on the potential impact of this missense change (SIFT: "Deleterious"; PolyPhen-2: "Benign"; Align-GVGD: "Class C0"). In summary, the available evidence is currently insufficient to determine the role of this variant in disease. Therefore, it has been classified as a Variant of Uncertain Significance.